The following is an entry in ClinVar:

NM_000629.3(IFNAR1):c.666_673+66dup

Gene: IFNAR1 (interferon alpha and beta receptor subunit 1; plus strand). Cytogenetic location: 21q22.11.
Variant type: Duplication.
Coding change: c.666_673+66dup on transcript NM_000629.3 (MANE Select); coding-DNA position 666 through 66 bases into the intron after coding-DNA position 673, 74 bases duplicated.
Molecular consequence: splice donor variant.
Genome position (GRCh38, 1-based): chr21:33,343,669-33,343,742, 74 bases duplicated. GRCh37 (hg19): chr21:34,715,975-34,716,048.
Other names: c.459_466+66dup (NM_001384504.1); c.-97_-90+66dup (NM_001384500.1); c.666_673+66dup (NM_001384498.1, NM_001384503.1, NM_001384499.1 and 1 more transcripts); c.204_211+66dup (NM_001384502.1).
Identifiers: ClinVar variation 4811662 (VCV004811662.1).

ClinVar aggregate classification (germline): Uncertain significance (1 of 4 stars; one submission).

Submission:

Labcorp Genetics (formerly Invitae), Labcorp
Classification: Uncertain significance. Last evaluated: 2025-04-14. Review status: criteria provided, single submitter. Criteria: Invitae Variant Classification Sherloc (09022015). Collection method: clinical testing. Allele origin: germline.
Comment: This sequence change falls in intron 5 of the IFNAR1 gene. It does not directly change the encoded amino acid sequence of the IFNAR1 protein. This variant is not present in population databases (gnomAD no frequency). This variant has not been reported in the literature in individuals affected with IFNAR1-related conditions. Experimental studies and prediction algorithms are not available or were not evaluated, and the effect of this variant on mRNA splicing is currently unknown. In summary, the available evidence is currently insufficient to determine the role of this variant in disease. Therefore, it has been classified as a Variant of Uncertain Significance.